The following is an entry in ClinVar:

ClinVar aggregate classification (germline): Conflicting classifications of pathogenicity. Review status: criteria provided, conflicting classifications (1 of 4 stars). 5 submissions from 5 submitters: Likely pathogenic (4); Uncertain significance (1). Last evaluated 2026-05-01.

Conditions:
FMO3-related disorder. Also called: FMO3-related condition.
Trimethylaminuria (TMAU). Also called: Fish malodor syndrome; Stale fish syndrome; TMAuria; Primary Trimethylaminuria; FISH-ODOR SYNDROME. Identifiers: MedGen C0342739, MONDO:0011182, OMIM 602079, HP:0003614. Disease mechanism: loss of function.

Allele frequency attached by ClinVar (database versions not stated): gnomAD 0.00002 and 0.00003; TOPMed 0.00010; ExAC 0.00011; gnomAD exomes 0.00011; 1000 Genomes Project 0.00040; 1000 Genomes Project 30x 0.00047.
gnomAD v4.1: 52 of 1,613,224 alleles (0.0032%); highest among the groups gnomAD compares: East Asian, 0.038%; no homozygotes.

Submissions (5):

PreventionGenetics, part of Exact Sciences
Classification: Likely pathogenic for FMO3-related condition. Last evaluated: 2026-05-01. Review status: criteria provided, single submitter. Criteria: ACMG Guidelines, 2015. Collection method: clinical testing. Allele origin: germline.
Comment: The FMO3 c.1160G>A variant is predicted to result in the amino acid substitution p.Arg387His. This variant has been reported in the homozygous state in an individual with trimethylaminuria (Kılıç et al. 2017. PubMed ID: 29745129). In vitro experimental studies in bacterial membranes suggest this variant decreases trimethylamine N-oxygenation activity to approximately 50% of wild-type (Makiguchi et al. 2023. PubMed ID: 37041084). Alternate substitutions at the same amino acid have been reported to impact enzyme activity (p.Arg387Cys, Makiguchi et al. 2023. PubMed ID: 37041084) or reported in an individual with trimethylaminuria (p.Arg387Leu, Akerman et al. 1999. PubMed ID: 10479479). The c.1160G>A (p.Arg387His) variant is reported in 0.12% of alleles in individuals of East Asian descent in gnomAD. This variant is interpreted as likely pathogenic.

Women's Health and Genetics/Laboratory Corporation of America, LabCorp
Classification: Uncertain significance. Last evaluated: 2025-06-24. Review status: criteria provided, single submitter. Criteria: LabCorp Variant Classification Summary - May 2015. Collection method: clinical testing. Allele origin: germline.
Comment: Variant summary: FMO3 c.1160G>A (p.Arg387His) results in a non-conservative amino acid change in the encoded protein sequence. Algorithms developed to predict the effect of missense changes on protein structure and function are either unavailable or do not agree on the potential impact of this missense change. The variant allele was found at a frequency of 0.00011 in 246470 control chromosomes. This frequency is not significantly higher than estimated for a pathogenic variant in FMO3 causing Trimethylaminuria (0.00011 vs 0.0056), allowing no conclusion about variant significance. c.1160G>A has been observed in individual(s) affected with Trimethylaminuria (example: Kilic_2017). These report(s) do not provide unequivocal conclusions about association of the variant with Trimethylaminuria. At least one publication reports experimental evidence evaluating an impact on protein function. The most pronounced variant effect results in 50% of normal activity (Makiguchi_2023). The following publications have been ascertained in the context of this evaluation (PMID: 29745129, 37041084). ClinVar contains an entry for this variant (Variation ID: 427174). Based on the evidence outlined above, the variant was classified as VUS-possibly pathogenic.

Fulgent Genetics
Classification: Likely pathogenic for Trimethylaminuria. Last evaluated: 2024-04-25. Review status: criteria provided, single submitter. Criteria: ACMG Guidelines, 2015. Collection method: clinical testing. Allele origin: germline.

GeneDx
Classification: Likely pathogenic. Last evaluated: 2017-10-09. Review status: criteria provided, single submitter. Criteria: GeneDx Variant Classification (06012015). Collection method: clinical testing. Allele origin: germline. Affected: yes.
Comment: The R387H variant in the FMO3 gene has not been published as a pathogenic variant, nor has it been reported as a benign variant to our knowledge. However, a different missense substitution at this residue (R387L) has been reported in the homozygous state in an individual with trimethylaminuria (Akerman et al., 1999). Although not present in the homozygous state, the R387H variant is observed in 21/18784 (0.11%) alleles from individuals of East Asian background in large population cohorts (Lek et al., 2016). The R387H variant is a conservative amino acid substitution, which is not likely to impact secondary protein structure as these residues share similar properties. This substitution occurs at a position that is conserved across species. In silico analysis predicts this variant is probably damaging to the protein structure/function. We interpret R387H as a likely pathogenic variant.

Juno Genomics, Hangzhou Juno Genomics, Inc
Classification: Likely pathogenic for Trimethylaminuria. Review status: criteria provided, single submitter. Criteria: ACMG Guidelines, 2015. Collection method: clinical testing. Allele origin: germline.
Comment: Absent from controls (or at extremely low frequency if recessive) in Genome Aggregation Database.;For recessive disorders, detected in trans with a pathogenic variant.;Patient's phenotype or family history is highly specific for a disease with a single genetic etiology.;Well-established in vitro or in vivo functional studies supportive of a damaging effect on the gene or gene product.

Literature cited by the submitters: PubMed 29745129 (cited by Women's Health and Genetics/Laboratory Corporation of America, LabCorp); PubMed 37041084 (cited by Women's Health and Genetics/Laboratory Corporation of America, LabCorp).

NM_001002294.3(FMO3):c.1160G>A (p.Arg387His)

Gene: FMO3 (flavin containing dimethylaniline monoxygenase 3; plus strand). Cytogenetic location: 1q24.3.
Variant type: single nucleotide variant.
Coding change: c.1160G>A on transcript NM_001002294.3 (MANE Select); coding-DNA position 1160, G replaced by A.
Protein change: p.Arg387His; replaces arginine 387 with histidine.
Molecular consequence: missense variant.
Genome position (GRCh38, 1-based): chr1:171,114,339, G>A. VCF-style: chr1-171114339-G-A. GRCh37 (hg19) VCF-style: chr1-171083479-G-A.
Other names: c.1100G>A, p.Arg367His (NM_001319173.2); c.971G>A, p.Arg324His (NM_001319174.2); c.1160G>A, p.Arg387His (NM_006894.6); short protein forms R387H, R367H, R324H.
Identifiers: ClinVar variation 427174 (VCV000427174.6), dbSNP rs72549331, ClinGen allele CA1240738.
Genomic context (GRCh38, chr1:171,114,339, plus strand): 5'-CAGTGATTGGCTTTGTCCAGTCCCTTGGGGCTGCCATTCCCACAGTTGACCTCCAGTCCC[G>A]CTGGGCAGCACAAGTAATAAAGGGTAAGTCAATAAAGAGGCTCATGGATTGCGAAGATGA-3'
Protein context (NP_001002294.1, residues 377-397): AAIPTVDLQS[Arg387His]WAAQVIKGTC